The following is an entry in ClinVar:

NM_052947.4(ALPK2):c.274T>C (p.Ser92Pro)

Gene: ALPK2 (alpha kinase 2; minus strand). Cytogenetic location: 18q21.31.
Variant type: single nucleotide variant.
Coding change: c.274T>C on transcript NM_052947.4 (MANE Select); coding-DNA position 274, T replaced by C.
Protein change: p.Ser92Pro; replaces serine 92 with proline.
Molecular consequence: missense variant.
Genome position (GRCh38, 1-based): chr18:58,580,502, A>G on the plus strand (T>C on the coding strand, the complement: ALPK2 is on the minus strand). VCF-style: chr18-58580502-A-G. GRCh37 (hg19) VCF-style: chr18-56247734-A-G.
Other names: short protein forms S92P.
Identifiers: ClinVar variation 1795551 (VCV001795551.2), dbSNP rs2518900457, ClinGen allele CA402568342.

ClinVar aggregate classification (germline): Uncertain significance (1 of 4 stars; one submission).

Submission:

Ambry Genetics
Classification: Uncertain significance. Last evaluated: 2022-01-07. Review status: criteria provided, single submitter. Criteria: Ambry Variant Classification Scheme 2023. Collection method: clinical testing. Allele origin: germline.
Comment: The p.S92P variant (also known as c.274T>C), located in coding exon 3 of the ALPK2 gene, results from a T to C substitution at nucleotide position 274. The serine at codon 92 is replaced by proline, an amino acid with similar properties. This amino acid position is conserved. In addition, this alteration is predicted to be tolerated by in silico analysis. Since supporting evidence is limited at this time, the clinical significance of this alteration remains unclear.